The following is an entry in ClinVar:

ClinVar aggregate classification (germline): Uncertain significance (1 of 4 stars; one submission).

Conditions:
Cardiovascular phenotype. Identifiers: MedGen CN230736.

Allele frequency attached by ClinVar (database versions not stated): ExAC 0.00026.
gnomAD v4.1: 15 of 1,465,390 alleles (0.001%); highest among the groups gnomAD compares: South Asian, 0.016%; no homozygotes.

Submission:

Ambry Genetics
Classification: Uncertain significance for Cardiovascular phenotype. Last evaluated: 2023-04-25. Review status: criteria provided, single submitter. Criteria: Ambry Variant Classification Scheme 2023. Collection method: clinical testing. Allele origin: germline.
Comment: The p.R1023S variant (also known as c.3067C>A), located in coding exon 1 of the ZNF469 gene, results from a C to A substitution at nucleotide position 3067. The arginine at codon 1023 is replaced by serine, an amino acid with dissimilar properties. This amino acid position is conserved. In addition, this alteration is predicted to be tolerated by in silico analysis. Since supporting evidence is limited at this time, the clinical significance of this alteration remains unclear.

NM_001367624.2(ZNF469):c.3067C>A (p.Arg1023Ser)

Gene: ZNF469 (zinc finger protein 469; plus strand). Cytogenetic location: 16q24.2.
Variant type: single nucleotide variant.
Coding change: c.3067C>A on transcript NM_001367624.2 (MANE Select); coding-DNA position 3067, C replaced by A.
Protein change: p.Arg1023Ser; replaces arginine 1023 with serine.
Molecular consequence: missense variant.
Genome position (GRCh38, 1-based): chr16:88,430,537, C>A. VCF-style: chr16-88430537-C-A. GRCh37 (hg19) VCF-style: chr16-88496945-C-A.
Other names: NM_001127464.1:c.3067C>A; short protein forms R1023S.
Identifiers: ClinVar variation 2564235 (VCV002564235.2), dbSNP rs761910925, ClinGen allele CA8224820.